The following is an entry in ClinVar:

NM_000382.3(ALDH3A2):c.417G>A (p.Leu139=)

Gene: ALDH3A2 (aldehyde dehydrogenase 3 family member A2; plus strand). Cytogenetic location: 17p11.2.
Variant type: single nucleotide variant.
Coding change: c.417G>A on transcript NM_000382.3 (MANE Select); coding-DNA position 417, G replaced by A.
Protein change: p.Leu139=; no amino-acid change (leucine 139 retained).
Molecular consequence: synonymous variant. On other transcripts: 5 prime UTR variant (1).
Genome position (GRCh38, 1-based): chr17:19,652,578, G>A. VCF-style: chr17-19652578-G-A. GRCh37 (hg19) VCF-style: chr17-19555891-G-A.
Other names: c.417G>A, p.Leu139= (NM_001031806.2, NM_001369136.1, NM_001369137.2 and 3 more transcripts); c.-272G>A (NM_001369148.2).
Identifiers: ClinVar variation 322209 (VCV000322209.40), dbSNP rs200806435, ClinGen allele CA8442805.
Genomic context (GRCh38, chr17:19,652,578, plus strand): 5'-GATACTGTTCTACTTTTTACTTTATTTAGGAAATGCTGTGATTATAAAGCCTTCTGAACT[G>A]AGTGAAAATACAGCCAAGATCTTGGCAAAGCTTCTCCCTCAGTATTTAGACCAGGTAAGA-3'
Protein context (NP_000373.1, residues 129-149): GNAVIIKPSE[Leu139=]SENTAKILAK

ClinVar aggregate classification (germline): Likely benign. Review status: criteria provided, multiple submitters, no conflicts (2 of 4 stars). 4 submissions from 4 submitters: Likely benign (3). 1 of the submissions does not count toward it. Last evaluated 2026-01-14.

Conditions:
Sjögren-Larsson syndrome (SLS). Also called: FALDH DEFICIENCY; FATTY ALCOHOL:NAD+ OXIDOREDUCTASE DEFICIENCY; FATTY ALDEHYDE DEHYDROGENASE DEFICIENCY; ICHTHYOSIS, SPASTIC NEUROLOGIC DISORDER, AND OLIGOPHRENIA. Identifiers: Orphanet 816, MedGen C0037231, MONDO:0010031, OMIM 270200.

Allele frequency attached by ClinVar (database versions not stated): gnomAD 0.00031 and 0.00030; ExAC 0.00033; TOPMed 0.00048; 1000 Genomes Project 0.00080; 1000 Genomes Project 30x 0.00094; gnomAD exomes 0.00012 and 0.00027.
gnomAD v4.1: 252 of 1,614,036 alleles (0.016%); highest among the groups gnomAD compares: East Asian, 0.13%; no homozygotes.

Submissions (4):

Labcorp Genetics (formerly Invitae), Labcorp
Classification: Likely benign. Last evaluated: 2026-01-14. Review status: criteria provided, single submitter. Criteria: Invitae Variant Classification Sherloc (09022015). Collection method: clinical testing. Allele origin: germline.

CeGaT Center for Human Genetics Tuebingen
Classification: Likely benign. Last evaluated: 2025-01-01. Review status: criteria provided, single submitter. Criteria: CeGaT Center For Human Genetics Tuebingen Variant Classification Criteria Version 2. Collection method: clinical testing. Allele origin: germline. Affected: yes. Observed: 3 variant alleles.
Comment: ALDH3A2: BP4, BP7

Blueprint Genetics
Classification: Likely benign. Last evaluated: 2024-11-27. Review status: criteria provided, single submitter. Criteria: ACMG Guidelines, 2015. Collection method: clinical testing. Allele origin: germline.

Natera, Inc.
Classification: Likely benign for SjÃ¶gren-Larsson syndrome. Last evaluated: 2020-05-29. Review status: no assertion criteria provided. Collection method: clinical testing. Allele origin: germline. Not counted in ClinVar's aggregate classification.